The following is an entry in ClinVar:

ClinVar aggregate classification (germline): Uncertain significance. Review status: criteria provided, multiple submitters, no conflicts (2 of 4 stars). 2 submissions from 2 submitters: Uncertain significance (2). Last evaluated 2025-10-23.

Conditions:
Inborn genetic diseases. Identifiers: MedGen C0950123, MeSH D030342.

gnomAD v4.1: 9 of 1,600,488 alleles (0.00056%); highest among the groups gnomAD compares: Non-Finnish European, 0.00077%; no homozygotes.

Submissions (2):

Ambry Genetics
Classification: Uncertain significance for Inborn genetic diseases. Last evaluated: 2025-10-23. Review status: criteria provided, single submitter. Criteria: Ambry Variant Classification Scheme 2023. Collection method: clinical testing. Allele origin: germline.

Labcorp Genetics (formerly Invitae), Labcorp
Classification: Uncertain significance. Last evaluated: 2022-01-06. Review status: criteria provided, single submitter. Criteria: Invitae Variant Classification Sherloc (09022015). Collection method: clinical testing. Allele origin: germline.
Comment: This sequence change replaces aspartic acid, which is acidic and polar, with histidine, which is basic and polar, at codon 64 of the PYROXD1 protein (p.Asp64His). This variant is present in population databases (rs776874666, gnomAD 0.0009%). This variant has not been reported in the literature in individuals affected with PYROXD1-related conditions. Algorithms developed to predict the effect of missense changes on protein structure and function are either unavailable or do not agree on the potential impact of this missense change (SIFT: "Deleterious"; PolyPhen-2: "Probably Damaging"; Align-GVGD: "Class C0"). In summary, the available evidence is currently insufficient to determine the role of this variant in disease. Therefore, it has been classified as a Variant of Uncertain Significance.

NM_024854.5(PYROXD1):c.190G>C (p.Asp64His)

Gene: PYROXD1 (pyridine nucleotide-disulphide oxidoreductase domain 1; plus strand). Cytogenetic location: 12p12.1.
Variant type: single nucleotide variant.
Coding change: c.190G>C on transcript NM_024854.5 (MANE Select); coding-DNA position 190, G replaced by C.
Protein change: p.Asp64His; replaces aspartic acid 64 with histidine.
Molecular consequence: missense variant. On other transcripts: 5 prime UTR variant (2).
Genome position (GRCh38, 1-based): chr12:21,445,371, G>C. VCF-style: chr12-21445371-G-C. GRCh37 (hg19) VCF-style: chr12-21598305-G-C.
Other names: c.190G>C (NM_024854.3); c.-24G>C (NM_001350912.2); c.-514G>C (NM_001350913.2); short protein forms D64H.
Identifiers: ClinVar variation 2047173 (VCV002047173.4), dbSNP rs776874666, ClinGen allele CA6478137.